The following is an entry in ClinVar:

ClinVar aggregate classification (germline): Uncertain significance (1 of 4 stars; one submission).

Submission:

Labcorp Genetics (formerly Invitae), Labcorp
Classification: Uncertain significance. Last evaluated: 2024-07-02. Review status: criteria provided, single submitter. Criteria: Invitae Variant Classification Sherloc (09022015). Collection method: clinical testing. Allele origin: germline.
Comment: This sequence change replaces alanine, which is neutral and non-polar, with glutamic acid, which is acidic and polar, at codon 24 of the ADCY1 protein (p.Ala24Glu). The frequency data for this variant in the population databases is considered unreliable, as metrics indicate insufficient coverage at this position in the gnomAD database. This variant has not been reported in the literature in individuals affected with ADCY1-related conditions. An algorithm developed to predict the effect of missense changes on protein structure and function (PolyPhen-2) suggests that this variant is likely to be tolerated. In summary, the available evidence is currently insufficient to determine the role of this variant in disease. Therefore, it has been classified as a Variant of Uncertain Significance.

NM_021116.4(ADCY1):c.71C>A (p.Ala24Glu)

Gene: ADCY1 (adenylate cyclase 1; plus strand). Cytogenetic location: 7p12.3.
Variant type: single nucleotide variant.
Coding change: c.71C>A on transcript NM_021116.4 (MANE Select); coding-DNA position 71, C replaced by A.
Protein change: p.Ala24Glu; replaces alanine 24 with glutamic acid.
Molecular consequence: missense variant. On other transcripts: intron variant (1).
Genome position (GRCh38, 1-based): chr7:45,574,614, C>A. VCF-style: chr7-45574614-C-A. GRCh37 (hg19) VCF-style: chr7-45614213-C-A.
Other names: c.-330-275C>A (NM_001281768.2); short protein forms A24E.
Identifiers: ClinVar variation 3696269 (VCV003696269.2).
Genomic context (GRCh38, chr7:45,574,614, plus strand): 5'-CGCCGCGCGGCGGAGGCGGCGGCGGAGGCGGCGCGGGCGAGCCCGGGGGCGCCGAGCGGG[C>A]GGCCGGGACAAGCCGCCGGCGCGGGCTCCGGGCGTGCGACGAGGAGTTCGCTTGCCCAGA-3'
Protein context (NP_066939.1, residues 14-34): GAGEPGGAER[Ala24Glu]AGTSRRRGLR